The following is an entry in ClinVar:

ClinVar aggregate classification (germline): Uncertain significance. Review status: criteria provided, multiple submitters, no conflicts (2 of 4 stars). 2 submissions from 2 submitters: Uncertain significance (2). Last evaluated 2022-06-14.

Conditions:
Cardiovascular phenotype. Identifiers: MedGen CN230736.
Autosomal recessive limb-girdle muscular dystrophy type 2J (LGMDR10). Also called: Limb-girdle muscular dystrophy, type 2J; MUSCULAR DYSTROPHY, LIMB-GIRDLE, AUTOSOMAL RECESSIVE 10. Identifiers: Orphanet 140922, MedGen C1837342, MONDO:0012127, OMIM 608807.
Dilated cardiomyopathy 1G (CMD1G). Identifiers: Orphanet 154, MedGen C1858763, MONDO:0011400, OMIM 604145.

Submissions (2):

Labcorp Genetics (formerly Invitae), Labcorp
Classification: Uncertain significance for Dilated cardiomyopathy 1G; Autosomal recessive limb-girdle muscular dystrophy type 2J. Last evaluated: 2022-06-14. Review status: criteria provided, single submitter. Criteria: Invitae Variant Classification Sherloc (09022015). Collection method: clinical testing. Allele origin: germline.
Comment: This sequence change replaces methionine, which is neutral and non-polar, with isoleucine, which is neutral and non-polar, at codon 35823 of the TTN protein (p.Met35823Ile). This variant is not present in population databases (gnomAD no frequency). This variant has not been reported in the literature in individuals affected with TTN-related conditions. Experimental studies and prediction algorithms are not available or were not evaluated, and the functional significance of this variant is currently unknown. In summary, the available evidence is currently insufficient to determine the role of this variant in disease. Therefore, it has been classified as a Variant of Uncertain Significance. This variant is located in the M band of TTN (PMID: 25589632). Variants in this region may be relevant for neuromuscular disorders, but have not been definitively shown to cause cardiomyopathy (PMID: 23975875).

Ambry Genetics
Classification: Uncertain significance for Cardiovascular phenotype. Last evaluated: 2019-12-21. Review status: criteria provided, single submitter. Criteria: Ambry Variant Classification Scheme 2023. Collection method: clinical testing. Allele origin: germline.
Comment: The p.M26758I variant (also known as c.80274G>A), located in coding exon 189 of the TTN gene, results from a G to A substitution at nucleotide position 80274. The methionine at codon 26758 is replaced by isoleucine, an amino acid with highly similar properties. This amino acid position is highly conserved in available vertebrate species. In addition, this alteration is predicted to be tolerated by in silico analysis. Since supporting evidence is limited at this time, the clinical significance of this alteration remains unclear.

Literature cited by the submitters: PubMed 25589632 (cited by Labcorp Genetics (formerly Invitae), Labcorp); PubMed 23975875 (cited by Labcorp Genetics (formerly Invitae), Labcorp).

NM_001267550.2(TTN):c.107469G>A (p.Met35823Ile)

Genes: TTN-AS1 (TTN antisense RNA 1; plus strand), TTN (titin; minus strand). Cytogenetic location: 2q31.2.
Variant type: single nucleotide variant.
Coding change: c.107469G>A on transcript NM_001267550.2 (MANE Select); coding-DNA position 107469, G replaced by A.
Protein change: p.Met35823Ile; replaces methionine 35823 with isoleucine.
Molecular consequence: missense variant.
Genome position (GRCh38, 1-based): chr2:178,527,657, C>T on the plus strand (G>A on the coding strand, the complement: TTN is on the minus strand). VCF-style: chr2-178527657-C-T. GRCh37 (hg19) VCF-style: chr2-179392384-C-T.
Other names: c.102546G>A, p.Met34182Ile (NM_001256850.1); c.80274G>A, p.Met26758Ile (NM_003319.4); c.99765G>A, p.Met33255Ile (NM_133378.4); c.80649G>A, p.Met26883Ile (NM_133432.3); c.80850G>A, p.Met26950Ile (NM_133437.4); short protein forms M26950I, M34182I, M35823I, M26758I, M33255I, M26883I.
Identifiers: ClinVar variation 1761714 (VCV001761714.7), dbSNP rs2468250976, ClinGen allele CA349400827.